The following is an entry in ClinVar:

ClinVar aggregate classification (germline): Likely benign (0 of 4 stars; one submission).

Conditions:
CHD3-related disorder. Also called: CHD3-related condition.

Allele frequency attached by ClinVar (database versions not stated): gnomAD exomes 0.00003; ExAC 0.00016; TOPMed 0.00038; gnomAD 0.00039; ESP Exome Variant Server 0.00046; 1000 Genomes Project 0.00120; 1000 Genomes Project 30x 0.00141.

Submission:

PreventionGenetics, part of Exact Sciences
Classification: Likely benign for CHD3-related condition. Last evaluated: 2022-08-17. Review status: no assertion criteria provided. Collection method: clinical testing. Allele origin: germline.
Comment: This variant is classified as likely benign based on ACMG/AMP sequence variant interpretation guidelines (Richards et al. 2015 PMID: 25741868, with internal and published modifications).

NM_001005273.3(CHD3):c.4735C>G (p.Gln1579Glu)

Gene: CHD3 (chromodomain helicase DNA binding protein 3; plus strand). Cytogenetic location: 17p13.1.
Variant type: single nucleotide variant.
Coding change: c.4735C>G on transcript NM_001005273.3 (MANE Select); coding-DNA position 4735, C replaced by G.
Protein change: p.Gln1579Glu; replaces glutamine 1579 with glutamic acid.
Molecular consequence: missense variant.
Genome position (GRCh38, 1-based): chr17:7,907,194, C>G. VCF-style: chr17-7907194-C-G. GRCh37 (hg19) VCF-style: chr17-7810512-C-G.
Other names: c.4912C>G, p.Gln1638Glu (NM_001005271.3); c.4735C>G, p.Gln1579Glu (NM_005852.4); short protein forms Q1579E, Q1638E.
Identifiers: ClinVar variation 3035943 (VCV003035943.2), dbSNP rs139484082, ClinGen allele CA8363453.